The following is an entry in ClinVar:

ClinVar aggregate classification (germline): Uncertain significance (1 of 4 stars; one submission).

Conditions:
Ataxia-telangiectasia syndrome (AT). Also called: Ataxia telangiectasia (A-T); LOUIS-BAR SYNDROME; Cerebello-oculocutaneous telangiectasia; Immunodeficiency with ataxia telangiectasia; AT, COMPLEMENTATION GROUP C; Ataxia-telangiectasia, complementation group D. Identifiers: Orphanet 100, MedGen C0004135, MONDO:0008840, OMIM 208900.

Submission:

Labcorp Genetics (formerly Invitae), Labcorp
Classification: Uncertain significance for Ataxia-telangiectasia syndrome. Last evaluated: 2020-10-14. Review status: criteria provided, single submitter. Criteria: Invitae Variant Classification Sherloc (09022015). Collection method: clinical testing. Allele origin: germline.
Comment: This variant has not been reported in the literature in individuals with ATM-related conditions. This variant is not present in population databases (ExAC no frequency). This sequence change replaces alanine with serine at codon 1159 of the ATM protein (p.Ala1159Ser). The alanine residue is moderately conserved and there is a moderate physicochemical difference between alanine and serine. Advanced modeling of protein sequence and biophysical properties (such as structural, functional, and spatial information, amino acid conservation, physicochemical variation, residue mobility, and thermodynamic stability) performed at Invitae indicates that this missense variant is not expected to disrupt ATM protein function. In summary, the available evidence is currently insufficient to determine the role of this variant in disease. Therefore, it has been classified as a Variant of Uncertain Significance.

NM_000051.4(ATM):c.3475G>T (p.Ala1159Ser)

Gene: ATM (ATM serine/threonine kinase; plus strand). Cytogenetic location: 11q22.3.
Variant type: single nucleotide variant.
Coding change: c.3475G>T on transcript NM_000051.4 (MANE Select); coding-DNA position 3475, G replaced by T.
Protein change: p.Ala1159Ser; replaces alanine 1159 with serine.
Molecular consequence: missense variant.
Genome position (GRCh38, 1-based): chr11:108,281,067, G>T. VCF-style: chr11-108281067-G-T. GRCh37 (hg19) VCF-style: chr11-108151794-G-T.
Other names: c.3475G>T, p.Ala1159Ser (NM_001351834.2); short protein forms A1159S.
Identifiers: ClinVar variation 1420879 (VCV001420879.8), dbSNP rs2135667356, ClinGen allele CA382519474.
Genomic context (GRCh38, chr11:108,281,067, plus strand): 5'-GAGAACCCTGAAACTTTGGATGAAATTTATAATAGAAAATCTGTTTTACTGACGTTGATA[G>T]CTGTGGTTTTATCCTGTAGCCCTATCTGCGAAAAACAGGCTTTGTTTGCCCTGTGTAAAT-3'
Protein context (NP_000042.3, residues 1149-1169): NRKSVLLTLI[Ala1159Ser]VVLSCSPICE